The following is an entry in ClinVar:

ClinVar aggregate classification (germline): Uncertain significance (1 of 4 stars; one submission).

Allele frequency attached by ClinVar (database versions not stated): ExAC 0.00001; gnomAD 0.00002 and 0.00003.
gnomAD v4.1: 21 of 1,610,434 alleles (0.0013%); highest among the groups gnomAD compares: Non-Finnish European, 0.0016%; no homozygotes.

Submission:

Labcorp Genetics (formerly Invitae), Labcorp
Classification: Uncertain significance. Last evaluated: 2024-09-04. Review status: criteria provided, single submitter. Criteria: Invitae Variant Classification Sherloc (09022015). Collection method: clinical testing. Allele origin: germline.
Comment: This sequence change replaces alanine, which is neutral and non-polar, with valine, which is neutral and non-polar, at codon 1435 of the MPDZ protein (p.Ala1435Val). This variant is present in population databases (rs752864103, gnomAD 0.004%). This variant has not been reported in the literature in individuals affected with MPDZ-related conditions. ClinVar contains an entry for this variant (Variation ID: 1516195). An algorithm developed to predict the effect of missense changes on protein structure and function (PolyPhen-2) suggests that this variant is likely to be disruptive. In summary, the available evidence is currently insufficient to determine the role of this variant in disease. Therefore, it has been classified as a Variant of Uncertain Significance.

NM_001378778.1(MPDZ):c.4304C>T (p.Ala1435Val)

Gene: MPDZ (multiple PDZ domain crumbs cell polarity complex component; minus strand). Cytogenetic location: 9p23.
Variant type: single nucleotide variant.
Coding change: c.4304C>T on transcript NM_001378778.1 (MANE Select); coding-DNA position 4304, C replaced by T.
Protein change: p.Ala1435Val; replaces alanine 1435 with valine.
Molecular consequence: missense variant.
Genome position (GRCh38, 1-based): chr9:13,136,171, G>A on the plus strand (C>T on the coding strand, the complement: MPDZ is on the minus strand). VCF-style: chr9-13136171-G-A. GRCh37 (hg19) VCF-style: chr9-13136170-G-A.
Other names: c.4205C>T, p.Ala1402Val (NM_001261406.2, NM_001261407.2, NM_001375416.1 and 3 more transcripts); c.4304C>T, p.Ala1435Val (NM_001330637.2, NM_001375413.1, NM_003829.5); c.4094C>T, p.Ala1365Val (NM_001375420.1, NM_001375421.1, NM_001375422.1 and 4 more transcripts); c.3896C>T, p.Ala1299Val (NM_001375427.1); short protein forms A1435V, A1299V, A1402V, A1365V.
Identifiers: ClinVar variation 1516195 (VCV001516195.5), dbSNP rs752864103, ClinGen allele CA4986767.